The following is an entry in ClinVar:

ClinVar aggregate classification (germline): Uncertain significance. Review status: criteria provided, multiple submitters, no conflicts (2 of 4 stars). 4 submissions from 4 submitters: Uncertain significance (4). Last evaluated 2026-06-25.

Conditions:
Ventricular septal defect 1 (VSD1). Identifiers: MedGen C3280777, MONDO:0013746, OMIM 614429.
Atrioventricular septal defect 4 (AVSD4). Identifiers: MedGen C3280781, MONDO:0013747, OMIM 614430.
Tetralogy of Fallot (TOF). Identifiers: Orphanet 3303, MedGen C0039685, MONDO:0008542, OMIM 187500, HP:0001636.
Testicular anomalies with or without congenital heart disease (TACHD). Identifiers: Orphanet 251510, MedGen C3809858, MONDO:0014239, OMIM 615542.
Atrial septal defect 2 (ASD2). Identifiers: Orphanet 1478, MedGen C1842778, MONDO:0011938, OMIM 607941.
GATA4-related disorder. Also called: GATA4-related condition. Identifiers: MedGen CN860321.

Allele frequency attached by ClinVar (database versions not stated): gnomAD 0.00001; TOPMed 0.00001.
gnomAD v4.1: 40 of 1,614,106 alleles (0.0025%); highest among the groups gnomAD compares: Non-Finnish European, 0.0031%; no homozygotes.

Submissions (4):

PreventionGenetics, part of Exact Sciences
Classification: Uncertain significance for GATA4-related condition. Last evaluated: 2026-06-25. Review status: criteria provided, single submitter. Criteria: ACMG Guidelines, 2015. Collection method: clinical testing. Allele origin: germline.
Comment: The GATA4 c.1237C>G variant is predicted to result in the amino acid substitution p.Pro413Ala. To our knowledge, this variant has not been reported in the literature. This variant is reported in 0.0040% of alleles in individuals of African descent in gnomAD. At this time, the clinical significance of this variant is uncertain due to the absence of conclusive functional and genetic evidence.

Labcorp Genetics (formerly Invitae), Labcorp
Classification: Uncertain significance for Atrioventricular septal defect 4. Last evaluated: 2025-08-13. Review status: criteria provided, single submitter. Criteria: Invitae Variant Classification Sherloc (09022015). Collection method: clinical testing. Allele origin: germline.
Comment: This sequence change replaces proline, which is neutral and non-polar, with alanine, which is neutral and non-polar, at codon 413 of the GATA4 protein (p.Pro413Ala). This variant is present in population databases (no rsID available, gnomAD 0.004%). This variant has not been reported in the literature in individuals affected with GATA4-related conditions. ClinVar contains an entry for this variant (Variation ID: 1197085). Invitae Evidence Modeling of protein sequence and biophysical properties (such as structural, functional, and spatial information, amino acid conservation, physicochemical variation, residue mobility, and thermodynamic stability) indicates that this missense variant is not expected to disrupt GATA4 protein function with a negative predictive value of 95%. In summary, the available evidence is currently insufficient to determine the role of this variant in disease. Therefore, it has been classified as a Variant of Uncertain Significance.

Fulgent Genetics
Classification: Uncertain significance for Tetralogy of Fallot; Atrial septal defect 2; Ventricular septal defect 1; Atrioventricular septal defect 4; Testicular anomalies with or without congenital heart disease. Last evaluated: 2022-05-19. Review status: criteria provided, single submitter. Criteria: ACMG Guidelines, 2015. Collection method: clinical testing. Allele origin: unknown.

GeneDx
Classification: Uncertain significance. Last evaluated: 2020-09-25. Review status: criteria provided, single submitter. Criteria: GeneDx Variant Classification Process June 2021. Collection method: clinical testing. Allele origin: germline. Affected: yes.
Comment: Has not been previously published as pathogenic or benign to our knowledge; Not observed at a significant frequency in large population cohorts (Lek et al., 2016); In silico analysis supports that this missense variant does not alter protein structure/function

NM_001308093.3(GATA4):c.1240C>G (p.Pro414Ala)

Gene: GATA4 (GATA binding protein 4). Cytogenetic location: 8p23.1.
Variant type: single nucleotide variant.
Coding change: c.1240C>G on transcript NM_001308093.3 (MANE Select); coding-DNA position 1240, C replaced by G.
Protein change: p.Pro414Ala; replaces proline 414 with alanine.
Molecular consequence: missense variant.
Genome position (GRCh38, 1-based): chr8:11,758,383, C>G. VCF-style: chr8-11758383-C-G. GRCh37 (hg19) VCF-style: chr8-11615892-C-G.
Other names: c.1237C>G (NM_002052.4); c.619C>G, p.Pro207Ala (NM_001308094.2, NM_001374273.1); c.493C>G, p.Pro165Ala (NM_001374274.1); c.1237C>G, p.Pro413Ala (NM_002052.5); short protein forms P165A, P207A, P413A, P414A.
Identifiers: ClinVar variation 1197085 (VCV001197085.10), dbSNP rs1217555878, ClinGen allele CA370315704.